The following is an entry in ClinVar:

ClinVar aggregate classification (germline): Uncertain significance (1 of 4 stars; one submission).

Conditions:
Kleefstra syndrome 1 (KLEFS1). Identifiers: Orphanet 261494, MedGen C0795833, MONDO:0027407, OMIM 610253.

Submission:

Labcorp Genetics (formerly Invitae), Labcorp
Classification: Uncertain significance for Kleefstra syndrome 1. Last evaluated: 2022-08-09. Review status: criteria provided, single submitter. Criteria: Invitae Variant Classification Sherloc (09022015). Collection method: clinical testing. Allele origin: germline.
Comment: This sequence change replaces glycine, which is neutral and non-polar, with valine, which is neutral and non-polar, at codon 13 of the EHMT1 protein (p.Gly13Val). This variant is not present in population databases (gnomAD no frequency). This variant has not been reported in the literature in individuals affected with EHMT1-related conditions. ClinVar contains an entry for this variant (Variation ID: 1448486). Algorithms developed to predict the effect of missense changes on protein structure and function (SIFT, PolyPhen-2, Align-GVGD) all suggest that this variant is likely to be tolerated. In summary, the available evidence is currently insufficient to determine the role of this variant in disease. Therefore, it has been classified as a Variant of Uncertain Significance.

NM_024757.5(EHMT1):c.38G>T (p.Gly13Val)

Gene: EHMT1 (euchromatic histone lysine methyltransferase 1; plus strand). Cytogenetic location: 9q34.3.
Variant type: single nucleotide variant.
Coding change: c.38G>T on transcript NM_024757.5 (MANE Select); coding-DNA position 38, G replaced by T.
Protein change: p.Gly13Val; replaces glycine 13 with valine.
Molecular consequence: missense variant. On other transcripts: intron variant (2).
Genome position (GRCh38, 1-based): chr9:137,710,983, G>T. VCF-style: chr9-137710983-G-T. GRCh37 (hg19) VCF-style: chr9-140605435-G-T.
Other names: c.-8-5643G>T (NM_001354259.2, NM_001354612.2); c.38G>T, p.Gly13Val (NM_001145527.2, NM_001354263.2, NM_001354611.2); short protein forms G13V.
Identifiers: ClinVar variation 1448486 (VCV001448486.8), dbSNP rs925532395, ClinGen allele CA375759571.
Genomic context (GRCh38, chr9:137,710,983, plus strand): 5'-CCTCCCACTGAACCCGGCTGACGGCTGTTGTTTCTCTCTAACAGGCAGTTCCGGCGAGGG[G>T]GGAGCCTCAGCAGGATTGCTGTGTGAAAACCGAGCTGCTGGGAGAAGGTGAGGGCGGTGT-3'
Protein context (NP_079033.4, residues 3-23): AADAEAVPAR[Gly13Val]EPQQDCCVKT